The following is an entry in ClinVar:

ClinVar aggregate classification (germline): Uncertain significance (1 of 4 stars; one submission).

Conditions:
Long QT syndrome (LQTS). Identifiers: MedGen C0023976, MeSH D008133, MONDO:0002442. Disease mechanism: loss of function. Inheritance: Various modes of inheritance.

Submission:

Labcorp Genetics (formerly Invitae), Labcorp
Classification: Uncertain significance for Long QT syndrome. Last evaluated: 2024-10-22. Review status: criteria provided, single submitter. Criteria: Invitae Variant Classification Sherloc (09022015). Collection method: clinical testing. Allele origin: germline.
Comment: This sequence change replaces glycine, which is neutral and non-polar, with arginine, which is basic and polar, at codon 149 of the KCNH2 protein (p.Gly149Arg). This variant is not present in population databases (gnomAD no frequency). This variant has not been reported in the literature in individuals affected with KCNH2-related conditions. ClinVar contains an entry for this variant (Variation ID: 1462343). An algorithm developed to predict the effect of missense changes on protein structure and function (PolyPhen-2) suggests that this variant is likely to be tolerated. In summary, the available evidence is currently insufficient to determine the role of this variant in disease. Therefore, it has been classified as a Variant of Uncertain Significance.

NM_000238.4(KCNH2):c.445G>C (p.Gly149Arg)

Gene: KCNH2 (potassium voltage-gated channel subfamily H member 2; minus strand). Cytogenetic location: 7q36.1.
Variant type: single nucleotide variant.
Coding change: c.445G>C on transcript NM_000238.4 (MANE Select); coding-DNA position 445, G replaced by C.
Protein change: p.Gly149Arg; replaces glycine 149 with arginine.
Molecular consequence: missense variant.
Genome position (GRCh38, 1-based): chr7:150,959,599, C>G on the plus strand (G>C on the coding strand, the complement: KCNH2 is on the minus strand). VCF-style: chr7-150959599-C-G. GRCh37 (hg19) VCF-style: chr7-150656687-C-G.
Other names: c.157G>C, p.Gly53Arg (NM_001406753.1, NM_001406756.1); c.268G>C, p.Gly90Arg (NM_001406755.1); c.145G>C, p.Gly49Arg (NM_001406757.1); c.445G>C, p.Gly149Arg (NM_172056.3); short protein forms G149R, G53R, G90R, G49R.
Identifiers: ClinVar variation 1462343 (VCV001462343.7), dbSNP rs2117011494, ClinGen allele CA369863639.